The following is an entry in ClinVar:

ClinVar aggregate classification (germline): Pathogenic. Review status: criteria provided, multiple submitters, no conflicts (2 of 4 stars). 2 submissions from 2 submitters: Pathogenic (2). Last evaluated 2024-07-18.

Conditions:
DMD-related disorder. Also called: DMD-related condition.
Duchenne muscular dystrophy (DMD). Also called: Duchenne Muscular Dystrophy (DMD); MUSCULAR DYSTROPHY, PSEUDOHYPERTROPHIC PROGRESSIVE, DUCHENNE TYPE. Identifiers: Orphanet 98896, MedGen C0013264, MONDO:0010679, OMIM 310200.

gnomAD v4.1: 1 of 1,210,017 alleles (0.000083%); highest among the groups gnomAD compares: South Asian, 0.0018%; no homozygotes.

Submissions (2):

Labcorp Genetics (formerly Invitae), Labcorp
Classification: Pathogenic for Duchenne muscular dystrophy. Last evaluated: 2024-07-18. Review status: criteria provided, single submitter. Criteria: Invitae Variant Classification Sherloc (09022015). Collection method: clinical testing. Allele origin: germline.
Comment: This sequence change creates a premature translational stop signal (p.Gln2822*) in the DMD gene. It is expected to result in an absent or disrupted protein product. Loss-of-function variants in DMD are known to be pathogenic (PMID: 16770791, 25007885). This variant is present in population databases (rs398124073, gnomAD 0.005%). This premature translational stop signal has been observed in individual(s) with clinical features of DMD-related conditions (PMID: 19937601). For these reasons, this variant has been classified as Pathogenic.

Blueprint Genetics
Classification: Pathogenic for DMD-related disorders. Last evaluated: 2021-07-05. Review status: criteria provided, single submitter. Criteria: ACMG Guidelines, 2015. Collection method: clinical testing. Allele origin: germline. Affected: yes. Observed: 1 variant allele.

Literature cited by the submitters: PubMed 16770791 (cited by Labcorp Genetics (formerly Invitae), Labcorp); PubMed 25007885 (cited by Labcorp Genetics (formerly Invitae), Labcorp); PubMed 19937601 (cited by Labcorp Genetics (formerly Invitae), Labcorp).

NM_004006.3(DMD):c.8464C>T (p.Gln2822Ter)

Gene: DMD (dystrophin; minus strand). Cytogenetic location: Xp21.2.
Variant type: single nucleotide variant.
Coding change: c.8464C>T on transcript NM_004006.3 (MANE Select); coding-DNA position 8464, C replaced by T.
Protein change: p.Gln2822Ter; replaces glutamine 2822 with a stop codon.
Molecular consequence: nonsense.
Genome position (GRCh38, 1-based): chrX:31,496,871, G>A on the plus strand (C>T on the coding strand, the complement: DMD is on the minus strand). VCF-style: chrX-31496871-G-A. GRCh37 (hg19) VCF-style: chrX-31514988-G-A.
Other names: c.8440C>T, p.Gln2814Ter (NM_000109.4); c.8452C>T, p.Gln2818Ter (NM_004009.3); c.8095C>T, p.Gln2699Ter (NM_004010.3); c.4441C>T, p.Gln1481Ter (NM_004011.4); c.4432C>T, p.Gln1478Ter (NM_004012.4); c.1084C>T, p.Gln362Ter (NM_004013.3, NM_004020.4, NM_004021.3 and 2 more transcripts); c.277C>T, p.Gln93Ter (NM_004014.3); short protein forms Q2822*, Q2699*, Q2814*, Q362*, Q1481*, Q2818*, Q93*, Q1478*.
Identifiers: ClinVar variation 3724144 (VCV003724144.3), dbSNP rs398124073.